The following is an entry in ClinVar:

NM_031229.4(RBCK1):c.1286G>A (p.Arg429Gln)

Gene: RBCK1 (RANBP2-type and C3HC4-type zinc finger containing 1; plus strand). Cytogenetic location: 20p13.
Variant type: single nucleotide variant.
Coding change: c.1286G>A on transcript NM_031229.4 (MANE Select); coding-DNA position 1286, G replaced by A.
Protein change: p.Arg429Gln; replaces arginine 429 with glutamine.
Molecular consequence: missense variant. On other transcripts: non-coding transcript variant (1).
Genome position (GRCh38, 1-based): chr20:428,567, G>A. VCF-style: chr20-428567-G-A. GRCh37 (hg19) VCF-style: chr20-409211-G-A.
Other names: c.776G>A, p.Arg259Gln (NM_001323956.2, NM_001323958.2); c.1337G>A, p.Arg446Gln (NM_001410770.1); c.1160G>A, p.Arg387Gln (NM_006462.6); short protein forms R259Q, R387Q, R429Q, R446Q.
Identifiers: ClinVar variation 2061970 (VCV002061970.2), dbSNP rs751523688, ClinGen allele CA9723327.

ClinVar aggregate classification (germline): Uncertain significance (1 of 4 stars; one submission).

Conditions:
Polyglucosan body myopathy type 1 (PGBM1). Also called: Polyglucosan body myopathy 1 with or without immunodeficiency; POLYGLUCOSAN BODY MYOPATHY WITHOUT IMMUNODEFICIENCY. Identifiers: Orphanet 329173, Orphanet 397937, MedGen C4014605, MONDO:0014389, OMIM 615895.

Allele frequency attached by ClinVar (database versions not stated): ExAC 0.00001; gnomAD exomes 0.00001; gnomAD 0.00003; TOPMed 0.00003.
gnomAD v4.1: 25 of 1,611,702 alleles (0.0016%); highest among the groups gnomAD compares: East Asian, 0.0022%; no homozygotes.

Submission:

Labcorp Genetics (formerly Invitae), Labcorp
Classification: Uncertain significance for Polyglucosan body myopathy type 1. Last evaluated: 2021-12-27. Review status: criteria provided, single submitter. Criteria: Invitae Variant Classification Sherloc (09022015). Collection method: clinical testing. Allele origin: germline.
Comment: In summary, the available evidence is currently insufficient to determine the role of this variant in disease. Therefore, it has been classified as a Variant of Uncertain Significance. Algorithms developed to predict the effect of missense changes on protein structure and function are either unavailable or do not agree on the potential impact of this missense change (SIFT: "Not Available"; PolyPhen-2: "Benign"; Align-GVGD: "Not Available"). This variant has not been reported in the literature in individuals affected with RBCK1-related conditions. This variant is present in population databases (rs751523688, gnomAD 0.02%). This sequence change replaces arginine, which is basic and polar, with glutamine, which is neutral and polar, at codon 429 of the RBCK1 protein (p.Arg429Gln).